The following is an entry in ClinVar:

NM_004525.3(LRP2):c.1674G>A (p.Trp558Ter)

Gene: LRP2 (LDL receptor related protein 2; minus strand). Cytogenetic location: 2q31.1.
Variant type: single nucleotide variant.
Coding change: c.1674G>A on transcript NM_004525.3 (MANE Select); coding-DNA position 1674, G replaced by A.
Protein change: p.Trp558Ter; replaces tryptophan 558 with a stop codon.
Molecular consequence: nonsense.
Genome position (GRCh38, 1-based): chr2:169,277,843, C>T on the plus strand (G>A on the coding strand, the complement: LRP2 is on the minus strand). VCF-style: chr2-169277843-C-T. GRCh37 (hg19) VCF-style: chr2-170134353-C-T.
Other names: short protein forms W558*.
Identifiers: ClinVar variation 5015603 (VCV005015603.1).

ClinVar aggregate classification (germline): Pathogenic (1 of 4 stars; one submission).

Conditions:
Donnai-Barrow syndrome. Also called: DBS/FOAR SYNDROME; FACIOOCULOACOUSTICORENAL SYNDROME. Identifiers: Orphanet 2143, MedGen C1857277, MONDO:0009104, OMIM 222448.

gnomAD v4.1: 2 of 1,614,024 alleles (0.00012%); highest among the groups gnomAD compares: Non-Finnish European, 0.00017%; no homozygotes.

Submission:

Myriad Genetics, Inc.
Classification: Pathogenic for Donnai-Barrow syndrome. Last evaluated: 2026-02-24. Review status: criteria provided, single submitter. Criteria: Myriad Autosomal Dominant, Autosomal Recessive and X-Linked Classification Criteria (2023). Collection method: clinical testing. Allele origin: unknown.
Comment: NM_004525.2(LRP2):c.1674G>A(W558*) is expected to be pathogenic in the context of Donnai-Barrow syndrome. This variant is predicted to lead to an abnormal or absent protein product due to the creation of a premature termination codon in LRP2, a gene where loss-of-function variants are known to be pathogenic. Please note: this variant was assessed in the context of healthy population screening.